The following is an entry in ClinVar:

ClinVar aggregate classification (germline): Likely pathogenic (1 of 4 stars; one submission).

Conditions:
Fabry disease. Also called: ALPHA-GALACTOSIDASE A DEFICIENCY; ANDERSON-FABRY DISEASE; CERAMIDE TRIHEXOSIDASE DEFICIENCY; GLA DEFICIENCY; HEREDITARY DYSTOPIC LIPIDOSIS; Angiokeratoma corporis diffusum. Identifiers: Orphanet 324, MedGen C0002986, MONDO:0010526, OMIM 301500, HP:0001071. Disease mechanism: Fabry disease is due to inactivating mutations in the X-linked GLA gene resulting in deficiency of the enzyme Alpha Galactosidase-A., loss of function.

Submission:

Genomenon, Inc
Classification: Likely pathogenic for Fabry disease. Last evaluated: 2026-09-08. Review status: criteria provided, single submitter. Criteria: Genomenon Sequence Variant Interpretation Standards - Updated. Collection method: curation. Allele origin: germline. Affected: no.
Comment: GLA p.Phe273Leu (c.819T>A) is a missense variant that changes the amino acid at codon 273 from Phenylalanine to Leucine. To our knowledge, this variant has not been reported in patients affected with Fabry disease in the published literature. At least one functional study has demonstrated a substantial alteration in protein function relative to the wild-type (PMID:23935525). It is absent or not present at a significant frequency in gnomAD. In silico models predict that this variant is possibly or probably damaging. In conclusion, we classify GLA p.Phe273Leu (c.819T>A) as a likely pathogenic variant.

Literature cited by the submitters: PubMed 23935525.

NM_000169.3(GLA):c.819T>A (p.Phe273Leu)

Genes: GLA (galactosidase alpha; minus strand), RPL36A-HNRNPH2 (RPL36A-HNRNPH2 readthrough; plus strand). Cytogenetic location: Xq22.1.
Variant type: single nucleotide variant.
Coding change: c.819T>A on transcript NM_000169.3 (MANE Select); coding-DNA position 819, T replaced by A.
Protein change: p.Phe273Leu; replaces phenylalanine 273 with leucine.
Molecular consequence: missense variant. On other transcripts: non-coding transcript variant (3), intron variant (2).
Genome position (GRCh38, 1-based): chrX:101,398,550, A>T on the plus strand (T>A on the coding strand, the complement: GLA is on the minus strand). VCF-style: chrX-101398550-A-T. GRCh37 (hg19) VCF-style: chrX-100653538-A-T.
Other names: c.942T>A, p.Phe314Leu (NM_001406747.1); c.819T>A, p.Phe273Leu (NM_001406748.1); c.300+3093A>T (NM_001199973.2); c.177+6728A>T (NM_001199974.2); short protein forms F273L, F314L.
Identifiers: ClinVar variation 4087528 (VCV004087528.2).